The following is an entry in ClinVar:

ClinVar aggregate classification (germline): Likely benign (1 of 4 stars; one submission).

Conditions:
NCOA1-related disorder. Also called: NCOA1-related condition.

gnomAD v4.1: 7 of 1,613,622 alleles (0.00043%); highest among the groups gnomAD compares: Admixed American, 0.0017%; no homozygotes.

Submission:

PreventionGenetics, part of Exact Sciences
Classification: Likely benign for NCOA1-related condition. Last evaluated: 2024-10-31. Review status: criteria provided, single submitter. Criteria: ACMG Guidelines, 2015. Collection method: clinical testing. Allele origin: germline.
Comment: This variant is classified as likely benign based on ACMG/AMP sequence variant interpretation guidelines (Richards et al. 2015 PMID: 25741868, with internal and published modifications).

NM_003743.5(NCOA1):c.879G>A (p.Arg293=)

Gene: NCOA1 (nuclear receptor coactivator 1; plus strand). Cytogenetic location: 2p23.3.
Variant type: single nucleotide variant.
Coding change: c.879G>A on transcript NM_003743.5 (MANE Select); coding-DNA position 879, G replaced by A.
Protein change: p.Arg293=; no amino-acid change (arginine 293 retained).
Molecular consequence: synonymous variant.
Genome position (GRCh38, 1-based): chr2:24,697,728, G>A. VCF-style: chr2-24697728-G-A. GRCh37 (hg19) VCF-style: chr2-24920597-G-A.
Other names: c.879G>A, p.Arg293= (NM_001362950.1, NM_001362952.1, NM_001362954.1 and 3 more transcripts).
Identifiers: ClinVar variation 4988849 (VCV004988849.1).
Genomic context (GRCh38, chr2:24,697,728, plus strand): 5'-CTCTATTGATACTAGTTCCCTGAGAGCTGCTGGCAGAACTGGTTGGGAAGATTTAGTGAG[G>A]AAGTGCATTTATGCTTTTTTCCAACCTCAGGGCAGAGAACCATCTTATGCCAGACAGCTG-3'
Protein context (NP_003734.3, residues 283-303): AGRTGWEDLV[Arg293=]KCIYAFFQPQ